The following is an entry in ClinVar:

ClinVar aggregate classification (germline): Conflicting classifications of pathogenicity. Review status: criteria provided, conflicting classifications (1 of 4 stars). 9 submissions from 8 submitters: Uncertain significance (1); Benign (4); Likely benign (4). Last evaluated 2026-01-26.

Conditions:
Hypercholesterolemia, familial, 1. Also called: LDL RECEPTOR DISORDER; Hyperlipoproteinemia Type IIa; HYPER-LOW-DENSITY-LIPOPROTEINEMIA; HYPERCHOLESTEROLEMIC XANTHOMATOSIS, FAMILIAL; Fredrickson type IIa hyperlipoproteinemia; Hyperlipoproteinemia type 2. Identifiers: Orphanet 391665, MedGen C0745103, MONDO:0007750, OMIM 143890.
Familial hypercholesterolemia. Also called: Familial hypercholesterolemias; Familial hypercholesterolaemia. Identifiers: MedGen C0020445, MONDO:0005439.
Hypobetalipoproteinemia. Identifiers: Orphanet 31154, MedGen C0020597, MONDO:0017774.
Hypercholesterolemia, autosomal dominant, 3 (FHCL3). Also called: Familial Hypercholesterolemia, Autosomal Dominant, 3; PCSK9-Related Familial Hypercholesterolemia, Autosomal Dominant; Familial hypercholesterolemia 3. Identifiers: MedGen C1863551, MONDO:0011369, OMIM 603776.

Allele frequency attached by ClinVar (database versions not stated): gnomAD 0.00033 and 0.00044; TOPMed 0.00053; gnomAD exomes 0.00082; ExAC 0.00104; 1000 Genomes Project 30x 0.00125; 1000 Genomes Project 0.00140.
gnomAD v4.1: 826 of 1,612,406 alleles (0.051%); highest among the groups gnomAD compares: East Asian, 1.5%; 6 homozygotes.

Submissions (9):

Labcorp Genetics (formerly Invitae), Labcorp
Classification: Benign for Hypercholesterolemia, autosomal dominant, 3. Last evaluated: 2026-01-26. Review status: criteria provided, single submitter. Criteria: Invitae Variant Classification Sherloc (09022015). Collection method: clinical testing. Allele origin: germline.

Blueprint Genetics
Classification: Likely benign. Last evaluated: 2024-10-14. Review status: criteria provided, single submitter. Criteria: ACMG Guidelines, 2015. Collection method: clinical testing. Allele origin: germline.

ARUP Laboratories, Molecular Genetics and Genomics, ARUP Laboratories
Classification: Benign. Last evaluated: 2024-03-14. Review status: criteria provided, single submitter. Criteria: ARUP Molecular Germline Variant Investigation Process 2024. Collection method: clinical testing. Allele origin: germline.

All of Us Research Program, National Institutes of Health
Classification: Benign for Hypercholesterolemia, autosomal dominant, 3. Last evaluated: 2024-01-11. Review status: criteria provided, single submitter. Criteria: ACMG Guidelines, 2015. Collection method: clinical testing. Allele origin: germline. Inheritance: Autosomal dominant inheritance. Observed: 74 variant alleles, 74 heterozygotes.
Comment: This study involves interpretation of variants in research participants for the purpose of population health screening. Participant phenotype was not available at the time of variant classification. Additional details can be found in publication PMID: 35346344, PMCID: PMC8962531

GeneDx
Classification: Likely benign. Last evaluated: 2018-10-12. Review status: criteria provided, single submitter. Criteria: GeneDx Variant Classification Process June 2021. Collection method: clinical testing. Allele origin: germline. Affected: yes.

Illumina Laboratory Services, Illumina
Classification: Likely benign for Hypobetalipoproteinemia. Last evaluated: 2018-01-13. Review status: criteria provided, single submitter. Criteria: ICSL Variant Classification Criteria 13 December 2019. Collection method: clinical testing. Allele origin: germline.
Comment: This variant was observed in the ICSL laboratory as part of a predisposition screen in an ostensibly healthy population. It had not been previously curated by ICSL or reported in the Human Gene Mutation Database (HGMD: prior to June 1st, 2018), and was therefore a candidate for classification through an automated scoring system. Utilizing variant allele frequency, disease prevalence and penetrance estimates, and inheritance mode, an automated score was calculated to assess if this variant is too frequent to cause the disease. Based on the score and internal cut-off values, a variant classified as likely benign is not then subjected to further curation. The score for this variant resulted in a classification of likely benign for this disease.

Illumina Laboratory Services, Illumina
Classification: Likely benign for Hypercholesterolemia, autosomal dominant, 3. Last evaluated: 2018-01-13. Review status: criteria provided, single submitter. Criteria: ICSL Variant Classification Criteria 13 December 2019. Collection method: clinical testing. Allele origin: germline.
Comment: the same text as in the submission from Illumina Laboratory Services, Illumina above.

Robarts Research Institute, Western University
Classification: Uncertain significance for Hypercholesterolemia, familial, 1. Last evaluated: 2018-01-02. Review status: criteria provided, single submitter. Criteria: ACMG Guidelines, 2015. Collection method: clinical testing. Allele origin: germline. Inheritance: Autosomal dominant inheritance. Affected: yes.

Color Diagnostics, LLC DBA Color Health
Classification: Benign for Familial hypercholesterolemias. Last evaluated: 2017-11-23. Review status: criteria provided, single submitter. Criteria: ACMG Guidelines, 2015. Collection method: clinical testing. Allele origin: germline.

NM_174936.4(PCSK9):c.1864-13C>T

Gene: PCSK9 (proprotein convertase subtilisin/kexin type 9; plus strand). Cytogenetic location: 1p32.3.
Variant type: single nucleotide variant.
Coding change: c.1864-13C>T on transcript NM_174936.4 (MANE Select); 13 bases into the intron before coding-DNA position 1864, C replaced by T.
Molecular consequence: intron variant.
Genome position (GRCh38, 1-based): chr1:55,063,356, C>T. VCF-style: chr1-55063356-C-T. GRCh37 (hg19) VCF-style: chr1-55529029-C-T.
Identifiers: ClinVar variation 548106 (VCV000548106.19), dbSNP rs147470944, ClinGen allele CA039363.